The following is an entry in ClinVar:

NM_000186.4(CFH):c.1913A>G (p.Asn638Ser)

Gene: CFH (complement factor H; plus strand). Cytogenetic location: 1q31.3.
Variant type: single nucleotide variant.
Coding change: c.1913A>G on transcript NM_000186.4 (MANE Select); coding-DNA position 1913, A replaced by G.
Protein change: p.Asn638Ser; replaces asparagine 638 with serine.
Molecular consequence: missense variant.
Genome position (GRCh38, 1-based): chr1:196,726,509, A>G. VCF-style: chr1-196726509-A-G. GRCh37 (hg19) VCF-style: chr1-196695639-A-G.
Other names: short protein forms N638S.
Identifiers: ClinVar variation 1507675 (VCV001507675.8), dbSNP rs755928805, ClinGen allele CA1305529.

ClinVar aggregate classification (germline): Uncertain significance. Review status: criteria provided, multiple submitters, no conflicts (2 of 4 stars). 7 submissions from 4 submitters: Uncertain significance (7). Last evaluated 2025-12-16.

Conditions:
Basal laminar drusen. Also called: DRUSEN OF BRUCH MEMBRANE; DRUSEN, CUTICULAR; DRUSEN, EARLY ADULT-ONSET, GROUPED. Identifiers: Orphanet 75376, MedGen C0730295, MONDO:0007472, OMIM 126700.
Factor H deficiency (CFHD). Also called: COMPLEMENT FACTOR H DEFICIENCY; CFH DEFICIENCY. Identifiers: Orphanet 200421, MedGen C0398777, MONDO:0012350, OMIM 609814.
Hemolytic uremic syndrome, atypical, susceptibility to, 1. Also called: AHUS, SUSCEPTIBILITY TO, 1. Identifiers: Orphanet 2134, Orphanet 90038, MedGen C2749604, MONDO:0009335, OMIM 235400. Disease mechanism: Other.
Age related macular degeneration 4. Identifiers: MedGen C1853147, MONDO:0012540, OMIM 610698.

Allele frequency attached by ClinVar (database versions not stated): ExAC 0.00002; gnomAD 0.00002 and 0.00003; TOPMed 0.00002; gnomAD exomes 0.00003 and 0.00006.
gnomAD v4.1: 91 of 1,612,834 alleles (0.0056%); highest among the groups gnomAD compares: South Asian, 0.019%; no homozygotes.

Submissions (7):

Labcorp Genetics (formerly Invitae), Labcorp
Classification: Uncertain significance. Last evaluated: 2025-12-16. Review status: criteria provided, single submitter. Criteria: Invitae Variant Classification Sherloc (09022015). Collection method: clinical testing. Allele origin: germline.
Comment: This sequence change replaces asparagine, which is neutral and polar, with serine, which is neutral and polar, at codon 638 of the CFH protein (p.Asn638Ser). This variant is present in population databases (rs755928805, gnomAD 0.01%). This variant has not been reported in the literature in individuals affected with CFH-related conditions. ClinVar contains an entry for this variant (Variation ID: 1507675). An algorithm developed to predict the effect of missense changes on protein structure and function outputs the following: PolyPhen-2: "Probably Damaging". The serine amino acid residue is found in multiple mammalian species, which suggests that this missense change does not adversely affect protein function. In summary, the available evidence is currently insufficient to determine the role of this variant in disease. Therefore, it has been classified as a Variant of Uncertain Significance.

Fulgent Genetics
Classification: Uncertain significance for Basal laminar drusen; Hemolytic uremic syndrome, atypical, susceptibility to, 1; Factor H deficiency; Age related macular degeneration 4. Last evaluated: 2024-04-22. Review status: criteria provided, single submitter. Criteria: ACMG Guidelines, 2015. Collection method: clinical testing. Allele origin: germline.

Genome-Nilou Lab
Classification: Uncertain significance for Hemolytic uremic syndrome, atypical, susceptibility to, 1. Last evaluated: 2023-04-11. Review status: criteria provided, single submitter. Criteria: ACMG Guidelines, 2015. Collection method: clinical testing. Allele origin: germline. Affected: no.

Genome-Nilou Lab
Classification: Uncertain significance for Age related macular degeneration 4. Last evaluated: 2023-04-11. Review status: criteria provided, single submitter. Criteria: ACMG Guidelines, 2015. Collection method: clinical testing. Allele origin: germline. Affected: no.

Genome-Nilou Lab
Classification: Uncertain significance for Basal laminar drusen. Last evaluated: 2023-04-11. Review status: criteria provided, single submitter. Criteria: ACMG Guidelines, 2015. Collection method: clinical testing. Allele origin: germline. Affected: no.

Genome-Nilou Lab
Classification: Uncertain significance for Factor H deficiency. Last evaluated: 2023-04-11. Review status: criteria provided, single submitter. Criteria: ACMG Guidelines, 2015. Collection method: clinical testing. Allele origin: germline. Affected: no.

Baylor Genetics
Classification: Uncertain significance for Factor H deficiency. Last evaluated: 2023-02-07. Review status: criteria provided, single submitter. Criteria: ACMG Guidelines, 2015. Collection method: clinical testing. Allele origin: unknown.